The following is an entry in ClinVar:

NM_000455.5(STK11):c.1245C>A (p.Arg415=)

Gene: STK11 (serine/threonine kinase 11; plus strand). Cytogenetic location: 19p13.3.
Variant type: single nucleotide variant.
Coding change: c.1245C>A on transcript NM_000455.5 (MANE Select); coding-DNA position 1245, C replaced by A.
Protein change: p.Arg415=; no amino-acid change (arginine 415 retained).
Molecular consequence: synonymous variant.
Genome position (GRCh38, 1-based): chr19:1,226,590, C>A. VCF-style: chr19-1226590-C-A. GRCh37 (hg19) VCF-style: chr19-1226589-C-A.
Identifiers: ClinVar variation 1634951 (VCV001634951.11), dbSNP rs878853985, ClinGen allele CA402953979.

ClinVar aggregate classification (germline): Benign/Likely benign. Review status: criteria provided, multiple submitters, no conflicts (2 of 4 stars). 3 submissions from 3 submitters: Benign (1); Likely benign (2). Last evaluated 2025-03-31.

Conditions:
Hereditary cancer-predisposing syndrome. Also called: Tumor predisposition; Hereditary neoplastic syndrome; Neoplastic Syndromes, Hereditary; Hereditary Cancer Syndrome. Identifiers: Orphanet 140162, MedGen C0027672, MeSH D009386, MONDO:0015356.
Peutz-Jeghers syndrome (PJS). Also called: Peutz-Jeghers polyposis; Periorificial lentiginosis syndrome; POLYPOSIS, HAMARTOMATOUS INTESTINAL; POLYPS-AND-SPOTS SYNDROME. Identifiers: Orphanet 2869, MedGen C0031269, MeSH D010580, MONDO:0008280, OMIM 175200.

Submissions (3):

Myriad Genetics, Inc.
Classification: Benign for Peutz-Jeghers syndrome. Last evaluated: 2025-03-31. Review status: criteria provided, single submitter. Criteria: Myriad Autosomal Dominant, Autosomal Recessive and X-Linked Classification Criteria (2023). Collection method: clinical testing. Allele origin: unknown.
Comment: This variant is considered benign. This variant is a silent/synonymous amino acid change and it is not expected to impact splicing.

Labcorp Genetics (formerly Invitae), Labcorp
Classification: Likely benign for Peutz-Jeghers syndrome. Last evaluated: 2023-06-16. Review status: criteria provided, single submitter. Criteria: Invitae Variant Classification Sherloc (09022015). Collection method: clinical testing. Allele origin: germline.

Ambry Genetics
Classification: Likely benign for Hereditary cancer-predisposing syndrome. Last evaluated: 2021-09-01. Review status: criteria provided, single submitter. Criteria: Ambry Variant Classification Scheme 2023. Collection method: clinical testing. Allele origin: germline.